The following is an entry in ClinVar:

ClinVar aggregate classification (germline): Likely pathogenic (1 of 4 stars; one submission).

Submission:

CeGaT Center for Human Genetics Tuebingen
Classification: Likely pathogenic. Last evaluated: 2022-04-01. Review status: criteria provided, single submitter. Criteria: CeGaT Center For Human Genetics Tuebingen Variant Classification Criteria Version 2. Collection method: clinical testing. Allele origin: germline. Affected: yes. Observed: 1 variant allele.
Comment: GP1BB: PP1:Strong, PM2, PS4:Moderate, PP3

NM_000407.5(GP1BB):c.179T>C (p.Leu60Pro)

Genes: GP1BB (glycoprotein Ib platelet subunit beta; plus strand), SEPT5-GP1BB (SEPT5-GP1BB readthrough; plus strand). Cytogenetic location: 22q11.21.
Variant type: single nucleotide variant.
Coding change: c.179T>C on transcript NM_000407.5 (MANE Select); coding-DNA position 179, T replaced by C.
Protein change: p.Leu60Pro; replaces leucine 60 with proline.
Molecular consequence: missense variant. On other transcripts: non-coding transcript variant (2).
Genome position (GRCh38, 1-based): chr22:19,724,022, T>C. VCF-style: chr22-19724022-T-C. GRCh37 (hg19) VCF-style: chr22-19711545-T-C.
Other names: short protein forms L60P.
Identifiers: ClinVar variation 1695035 (VCV001695035.31), dbSNP rs2145796039, ClinGen allele CA410676639.
Genomic context (GRCh38, chr22:19,724,022, plus strand): 5'-GGCGCCGCGGGCTGACTTGGGCCTCGCTGCCGACCGCCTTCCCTGTCGACACAACCGAGC[T>C]GGTGCTGACCGGCAACAACCTGACGGCGCTGCCGCCGGGGCTGCTGGACGCGCTGCCCGC-3'
Protein context (NP_000398.1, residues 50-70): PTAFPVDTTE[Leu60Pro]VLTGNNLTAL